The following is an entry in ClinVar:

ClinVar aggregate classification (germline): Pathogenic (1 of 4 stars; one submission).

Conditions:
Pyridoxine-dependent epilepsy (EPEO4). Also called: Pyridoxine-Dependent Seizures; Pyridoxine-Dependent Epilepsy - ALDH7A1; PYRIDOXINE DEPENDENCY WITH SEIZURES; EPILEPSY, EARLY-ONSET, 4, VITAMIN B6-DEPENDENT. Identifiers: Orphanet 3006, MedGen C1849508, MONDO:0009945, OMIM 266100. Disease mechanism: loss of function.

Submission:

Labcorp Genetics (formerly Invitae), Labcorp
Classification: Pathogenic for Pyridoxine-dependent epilepsy. Last evaluated: 2025-01-15. Review status: criteria provided, single submitter. Criteria: Invitae Variant Classification Sherloc (09022015). Collection method: clinical testing. Allele origin: germline.
Comment: This sequence change replaces glycine, which is neutral and non-polar, with arginine, which is basic and polar, at codon 398 of the ALDH7A1 protein (p.Gly398Arg). This variant is not present in population databases (gnomAD no frequency). This missense change has been observed in individual(s) with pyridoxine-dependent epilepsy (PMID: 22529283). In at least one individual the data is consistent with being in trans (on the opposite chromosome) from a pathogenic variant. ClinVar contains an entry for this variant (Variation ID: 1067854). Invitae Evidence Modeling of protein sequence and biophysical properties (such as structural, functional, and spatial information, amino acid conservation, physicochemical variation, residue mobility, and thermodynamic stability) indicates that this missense variant is expected to disrupt ALDH7A1 protein function with a positive predictive value of 95%. This variant disrupts the p.Gly398 amino acid residue in ALDH7A1. Other variant(s) that disrupt this residue have been observed in individuals with ALDH7A1-related conditions (internal data), which suggests that this may be a clinically significant amino acid residue. For these reasons, this variant has been classified as Pathogenic.

Literature cited by the submitters: PubMed 22529283.

NM_001182.5(ALDH7A1):c.1192G>A (p.Gly398Arg)

Gene: ALDH7A1 (aldehyde dehydrogenase 7 family member A1; minus strand). Cytogenetic location: 5q23.2.
Variant type: single nucleotide variant.
Coding change: c.1192G>A on transcript NM_001182.5 (MANE Select); coding-DNA position 1192, G replaced by A.
Protein change: p.Gly398Arg; replaces glycine 398 with arginine.
Molecular consequence: missense variant. On other transcripts: intron variant (1).
Genome position (GRCh38, 1-based): chr5:126,554,295, C>T on the plus strand (G>A on the coding strand, the complement: ALDH7A1 is on the minus strand). VCF-style: chr5-126554295-C-T. GRCh37 (hg19) VCF-style: chr5-125889987-C-T.
Other names: c.1108G>A, p.Gly370Arg (NM_001201377.2); c.1009-2158G>A (NM_001202404.2); short protein forms G370R, G398R.
Identifiers: ClinVar variation 1067854 (VCV001067854.10), dbSNP rs1347421419, ClinGen allele CA360723751.